The following is an entry in ClinVar:

NM_024731.4(KLHL36):c.531G>A (p.Thr177=)

Gene: KLHL36 (kelch like family member 36; plus strand). Cytogenetic location: 16q24.1.
Variant type: single nucleotide variant.
Coding change: c.531G>A on transcript NM_024731.4 (MANE Select); coding-DNA position 531, G replaced by A.
Protein change: p.Thr177=; no amino-acid change (threonine 177 retained).
Molecular consequence: synonymous variant.
Genome position (GRCh38, 1-based): chr16:84,657,338, G>A. VCF-style: chr16-84657338-G-A. GRCh37 (hg19) VCF-style: chr16-84690944-G-A.
Other names: c.531G>A, p.Thr177= (NM_001303451.2).
Identifiers: ClinVar variation 2646927 (VCV002646927.24), dbSNP rs111957965, ClinGen allele CA8209979.

ClinVar aggregate classification (germline): Likely benign (1 of 4 stars; one submission).

Allele frequency attached by ClinVar (database versions not stated): gnomAD exomes 0.00009; ExAC 0.00037; TOPMed 0.00080; ESP Exome Variant Server 0.00085; gnomAD 0.00090; 1000 Genomes Project 30x 0.00250; 1000 Genomes Project 0.00300.
gnomAD v4.1: 284 of 1,613,114 alleles (0.018%); highest among the groups gnomAD compares: African/African-American, 0.31%; 1 homozygote.

Submission:

CeGaT Center for Human Genetics Tuebingen
Classification: Likely benign. Last evaluated: 2022-04-01. Review status: criteria provided, single submitter. Criteria: CeGaT Center For Human Genetics Tuebingen Variant Classification Criteria Version 2. Collection method: clinical testing. Allele origin: germline. Affected: yes. Observed: 1 variant allele.
Comment: KLHL36: BP4, BP7